The following is an entry in ClinVar:

ClinVar aggregate classification (germline): Uncertain significance (1 of 4 stars; one submission).

Conditions:
Generalized epilepsy with febrile seizures plus, type 7 (GEFSP7). Also called: GEFS+, TYPE 7. Identifiers: Orphanet 36387, MedGen C2751778, MONDO:0013470, OMIM 613863.
Neuropathy, hereditary sensory and autonomic, type 2A (HSAN2A). Also called: HSAN IIA; ACROOSTEOLYSIS, GIACCAI TYPE; ACROOSTEOLYSIS, NEUROGENIC; NEUROPATHY, CONGENITAL SENSORY; NEUROPATHY, HEREDITARY SENSORY RADICULAR, AUTOSOMAL RECESSIVE; NEUROPATHY, HEREDITARY SENSORY, TYPE IIA. Identifiers: Orphanet 970, MedGen C2752089, MONDO:0024309, OMIM 201300.

Allele frequency attached by ClinVar (database versions not stated): gnomAD exomes 0.00001; ExAC 0.00003.
gnomAD v4.1: 3 of 1,585,890 alleles (0.00019%); highest among the groups gnomAD compares: Non-Finnish European, 0.00026%; no homozygotes.

Submission:

Labcorp Genetics (formerly Invitae), Labcorp
Classification: Uncertain significance for Neuropathy, hereditary sensory and autonomic, type 2A; Generalized epilepsy with febrile seizures plus, type 7. Last evaluated: 2021-03-26. Review status: criteria provided, single submitter. Criteria: Invitae Variant Classification Sherloc (09022015). Collection method: clinical testing. Allele origin: germline.
Comment: This variant is present in population databases (rs759899956, ExAC 0.006%). This sequence change replaces glutamic acid with lysine at codon 759 of the SCN9A protein (p.Glu759Lys). The glutamic acid residue is moderately conserved and there is a small physicochemical difference between glutamic acid and lysine. This variant has not been reported in the literature in individuals with SCN9A-related conditions. Algorithms developed to predict the effect of missense changes on protein structure and function (SIFT, PolyPhen-2, Align-GVGD) all suggest that this variant is likely to be tolerated, but these predictions have not been confirmed by published functional studies and their clinical significance is uncertain. In summary, the available evidence is currently insufficient to determine the role of this variant in disease. Therefore, it has been classified as a Variant of Uncertain Significance.

NM_001365536.1(SCN9A):c.2308G>A (p.Glu770Lys)

Genes: SCN9A (sodium voltage-gated channel alpha subunit 9; minus strand), SCN1A-AS1 (SCN1A and SCN9A antisense RNA 1; plus strand). Cytogenetic location: 2q24.3.
Variant type: single nucleotide variant.
Coding change: c.2308G>A on transcript NM_001365536.1 (MANE Select); coding-DNA position 2308, G replaced by A.
Protein change: p.Glu770Lys; replaces glutamic acid 770 with lysine.
Molecular consequence: missense variant.
Genome position (GRCh38, 1-based): chr2:166,280,392, C>T on the plus strand (G>A on the coding strand, the complement: SCN9A is on the minus strand). VCF-style: chr2-166280392-C-T. GRCh37 (hg19) VCF-style: chr2-167136902-C-T.
Other names: c.2275G>A, p.Glu759Lys (NM_002977.4); short protein forms E759K, E770K.
Identifiers: ClinVar variation 1434968 (VCV001434968.8), dbSNP rs759899956, ClinGen allele CA1944300.